The following is an entry in ClinVar:

ClinVar aggregate classification (germline): Pathogenic. Review status: criteria provided, multiple submitters, no conflicts (2 of 4 stars). 2 submissions from 2 submitters: Pathogenic (2). Last evaluated 2024-12-20.

Conditions:
Familial cancer of breast. Also called: Hereditary breast cancer; BREAST CANCER, FAMILIAL; hereditary breast carcinoma. Identifiers: Orphanet 227535, MedGen C0346153, MONDO:0016419, OMIM 114480. Disease mechanism: loss of function.
Fanconi anemia complementation group J. Also called: BRIP1-Related Fanconi Anemia. Identifiers: Orphanet 84, MedGen C1836860, MONDO:0012187, OMIM 609054.

Submissions (2):

Labcorp Genetics (formerly Invitae), Labcorp
Classification: Pathogenic for Familial cancer of breast; Fanconi anemia complementation group J. Last evaluated: 2024-12-20. Review status: criteria provided, single submitter. Criteria: Invitae Variant Classification Sherloc (09022015). Collection method: clinical testing. Allele origin: germline.
Comment: This sequence change creates a premature translational stop signal (p.Gln126*) in the BRIP1 gene. It is expected to result in an absent or disrupted protein product. Loss-of-function variants in BRIP1 are known to be pathogenic (PMID: 16116423, 17033622, 21964575). This variant is not present in population databases (gnomAD no frequency). This premature translational stop signal has been observed in individual(s) with breast cancer (PMID: 32427313). ClinVar contains an entry for this variant (Variation ID: 2099107). For these reasons, this variant has been classified as Pathogenic.

Myriad Genetics, Inc.
Classification: Pathogenic for Familial cancer of breast. Last evaluated: 2023-05-30. Review status: criteria provided, single submitter. Criteria: Myriad Autosomal Dominant, Autosomal Recessive and X-Linked Classification Criteria (2023). Collection method: clinical testing. Allele origin: unknown.
Comment: This variant is considered pathogenic. This variant creates a termination codon and is predicted to result in premature protein truncation.

Literature cited by the submitters: PubMed 16116423 (cited by Labcorp Genetics (formerly Invitae), Labcorp); PubMed 17033622 (cited by Labcorp Genetics (formerly Invitae), Labcorp); PubMed 21964575 (cited by Labcorp Genetics (formerly Invitae), Labcorp); PubMed 32427313 (cited by Labcorp Genetics (formerly Invitae), Labcorp).

NM_032043.3(BRIP1):c.376C>T (p.Gln126Ter)

Gene: BRIP1 (BRCA1 interacting DNA helicase 1; minus strand). Cytogenetic location: 17q23.2.
Variant type: single nucleotide variant.
Coding change: c.376C>T on transcript NM_032043.3 (MANE Select); coding-DNA position 376, C replaced by T.
Protein change: p.Gln126Ter; replaces glutamine 126 with a stop codon.
Molecular consequence: nonsense.
Genome position (GRCh38, 1-based): chr17:61,857,061, G>A on the plus strand (C>T on the coding strand, the complement: BRIP1 is on the minus strand). VCF-style: chr17-61857061-G-A. GRCh37 (hg19) VCF-style: chr17-59934422-G-A.
Other names: short protein forms Q126*.
Identifiers: ClinVar variation 2099107 (VCV002099107.6), dbSNP rs2145825942, ClinGen allele CA400485268.